The following is an entry in ClinVar:

NM_000551.4(VHL):c.398C>T (p.Thr133Ile)

Genes: VHL (von Hippel-Lindau tumor suppressor; plus strand), LOC107303340 (3p25 von Hippel-Lindau tumor suppressor, E3 ubiquitin protein ligase Alu-mediated recombination region; plus strand). Cytogenetic location: 3p25.3.
Variant type: single nucleotide variant.
Coding change: c.398C>T on transcript NM_000551.4 (MANE Select); coding-DNA position 398, C replaced by T.
Protein change: p.Thr133Ile; replaces threonine 133 with isoleucine.
Molecular consequence: missense variant. On other transcripts: intron variant (2).
Genome position (GRCh38, 1-based): chr3:10,146,571, C>T. VCF-style: chr3-10146571-C-T. GRCh37 (hg19) VCF-style: chr3-10188255-C-T.
Other names: c.*18-3216C>T (NM_001354723.2); c.341-3216C>T (NM_198156.3); short protein forms T133I.
Identifiers: ClinVar variation 411982 (VCV000411982.14), dbSNP rs1060503565, ClinGen allele CA16611091.
Genomic context (GRCh38, chr3:10,146,571, plus strand): 5'-TAGGTCACCTTTGGCTCTTCAGAGATGCAGGGACACACGATGGGCTTCTGGTTAACCAAA[C>T]TGAATTATTTGTGCCATCTCTCAATGTTGACGGACAGCCTATTTTTGCCAATATCACACT-3'
Protein context (NP_000542.1, residues 123-143): GTHDGLLVNQ[Thr133Ile]ELFVPSLNVD

ClinVar aggregate classification (germline): Conflicting classifications of pathogenicity. Review status: criteria provided, conflicting classifications (1 of 4 stars). 3 submissions from 3 submitters: Uncertain significance (2); Likely benign (1). Last evaluated 2026-03-19.

Conditions:
Chuvash polycythemia. Also called: POLYCYTHEMIA, VHL-DEPENDENT. Identifiers: Orphanet 238557, MedGen C1837915, MONDO:0009892, OMIM 263400.
Von Hippel-Lindau syndrome (VHLS). Also called: von Hippel–Lindau syndrome; VHL syndrome; Von Hippel-Lindau. Identifiers: Orphanet 892, MedGen C0019562, MONDO:0008667, OMIM 193300. Disease mechanism: loss of function.
Pheochromocytoma. Also called: MAX-Related Hereditary Paraganglioma-Pheochromocytoma Syndrome. Identifiers: Orphanet 29072, MedGen C0031511, MONDO:0008233, OMIM 171300, HP:0002666.
Nonpapillary renal cell carcinoma. Identifiers: Orphanet 422526, MedGen CN074294, MONDO:0007763, OMIM 144700.
Hereditary cancer-predisposing syndrome. Also called: Hereditary Cancer Syndrome; Tumor predisposition; Hereditary neoplastic syndrome; Neoplastic Syndromes, Hereditary. Identifiers: Orphanet 140162, MedGen C0027672, MeSH D009386, MONDO:0015356.

Submissions (3):

Ambry Genetics
Classification: Likely benign for Hereditary cancer-predisposing syndrome. Last evaluated: 2026-03-19. Review status: criteria provided, single submitter. Criteria: Ambry Variant Classification Scheme 2023. Collection method: clinical testing. Allele origin: germline.

Labcorp Genetics (formerly Invitae), Labcorp
Classification: Uncertain significance for Von Hippel-Lindau syndrome; Chuvash polycythemia. Last evaluated: 2025-12-09. Review status: criteria provided, single submitter. Criteria: Invitae Variant Classification Sherloc (09022015). Collection method: clinical testing. Allele origin: germline.
Comment: This sequence change replaces threonine, which is neutral and polar, with isoleucine, which is neutral and non-polar, at codon 133 of the VHL protein (p.Thr133Ile). This variant is not present in population databases (gnomAD no frequency). This variant has not been reported in the literature in individuals affected with VHL-related conditions. ClinVar contains an entry for this variant (Variation ID: 411982). Invitae Evidence Modeling of protein sequence and biophysical properties (such as structural, functional, and spatial information, amino acid conservation, physicochemical variation, residue mobility, and thermodynamic stability) indicates that this missense variant is expected to disrupt VHL protein function with a positive predictive value of 95%. In summary, the available evidence is currently insufficient to determine the role of this variant in disease. Therefore, it has been classified as a Variant of Uncertain Significance.

Fulgent Genetics
Classification: Uncertain significance for Nonpapillary renal cell carcinoma; Pheochromocytoma; Von Hippel-Lindau syndrome; Chuvash polycythemia. Last evaluated: 2022-05-16. Review status: criteria provided, single submitter. Criteria: ACMG Guidelines, 2015. Collection method: clinical testing. Allele origin: unknown.

Literature cited by the submitters: PubMed 38969834 (cited by Ambry Genetics).